The following is an entry in ClinVar:

ClinVar aggregate classification (germline): Uncertain significance. Review status: criteria provided, multiple submitters, no conflicts (2 of 4 stars). 3 submissions from 3 submitters: Uncertain significance (3). Last evaluated 2025-12-22.

Conditions:
Medulloblastoma (MDB). Also called: MEDULLOBLASTOMA PREDISPOSITION SYNDROME; Medulloblastoma, somatic. Identifiers: Orphanet 616, MedGen C0025149, MeSH D008527, MONDO:0007959, OMIM 155255, HP:0002885.
Gorlin syndrome. Also called: Nevoid Basal Cell Carcinoma Syndrome; Basal cell nevus syndrome. Identifiers: Orphanet 377, MedGen C0004779, MONDO:0007187.
Hereditary cancer-predisposing syndrome. Also called: Neoplastic Syndromes, Hereditary; Tumor predisposition; Hereditary neoplastic syndrome; Hereditary Cancer Syndrome. Identifiers: Orphanet 140162, MedGen C0027672, MeSH D009386, MONDO:0015356.
Familial meningioma. Also called: Meningioma, familial, susceptibility to. Identifiers: Orphanet 263662, MedGen C3551915, MONDO:0011789, OMIM 607174.

Allele frequency attached by ClinVar (database versions not stated): TOPMed below 0.00001; gnomAD 0.00001.
gnomAD v4.1: 1 of 1,613,876 alleles (0.000062%); highest among the groups gnomAD compares: African/African-American, 0.0013%; no homozygotes.

Submissions (3):

Labcorp Genetics (formerly Invitae), Labcorp
Classification: Uncertain significance for Gorlin syndrome; Medulloblastoma. Last evaluated: 2025-12-22. Review status: criteria provided, single submitter. Criteria: Invitae Variant Classification Sherloc (09022015). Collection method: clinical testing. Allele origin: germline.
Comment: This sequence change replaces aspartic acid, which is acidic and polar, with tyrosine, which is neutral and polar, at codon 276 of the SUFU protein (p.Asp276Tyr). This variant is present in population databases (no rsID available, gnomAD 0.01%). This variant has not been reported in the literature in individuals affected with SUFU-related conditions. ClinVar contains an entry for this variant (Variation ID: 1762698). Invitae Evidence Modeling of protein sequence and biophysical properties (such as structural, functional, and spatial information, amino acid conservation, physicochemical variation, residue mobility, and thermodynamic stability) indicates that this missense variant is not expected to disrupt SUFU protein function with a negative predictive value of 80%. In summary, the available evidence is currently insufficient to determine the role of this variant in disease. Therefore, it has been classified as a Variant of Uncertain Significance.

Ambry Genetics
Classification: Uncertain significance for Hereditary cancer-predisposing syndrome. Last evaluated: 2025-06-20. Review status: criteria provided, single submitter. Criteria: Ambry Variant Classification Scheme 2023. Collection method: clinical testing. Allele origin: germline.
Comment: The p.D276Y variant (also known as c.826G>T), located in coding exon 7 of the SUFU gene, results from a G to T substitution at nucleotide position 826. The aspartic acid at codon 276 is replaced by tyrosine, an amino acid with highly dissimilar properties. This amino acid position is highly conserved in available vertebrate species. In addition, this alteration is predicted to be deleterious by in silico analysis. Since supporting evidence is limited at this time, the clinical significance of this alteration remains unclear.

Baylor Genetics
Classification: Uncertain significance for Familial meningioma. Last evaluated: 2024-01-26. Review status: criteria provided, single submitter. Criteria: ACMG Guidelines, 2015. Collection method: clinical testing. Allele origin: unknown.

NM_016169.4(SUFU):c.826G>T (p.Asp276Tyr)

Gene: SUFU (SUFU negative regulator of hedgehog signaling; plus strand). Cytogenetic location: 10q24.32.
Variant type: single nucleotide variant.
Coding change: c.826G>T on transcript NM_016169.4 (MANE Select); coding-DNA position 826, G replaced by T.
Protein change: p.Asp276Tyr; replaces aspartic acid 276 with tyrosine.
Molecular consequence: missense variant.
Genome position (GRCh38, 1-based): chr10:102,597,209, G>T. VCF-style: chr10-102597209-G-T. GRCh37 (hg19) VCF-style: chr10-104356966-G-T.
Other names: c.826G>T, p.Asp276Tyr (NM_001178133.2); short protein forms D276Y.
Identifiers: ClinVar variation 1762698 (VCV001762698.10), dbSNP rs1296180292, ClinGen allele CA377910499.